The following is an entry in ClinVar:

NM_006158.5(NEFL):c.712A>T (p.Ile238Phe)

Gene: NEFL (neurofilament light chain; minus strand). Cytogenetic location: 8p21.2.
Variant type: single nucleotide variant.
Coding change: c.712A>T on transcript NM_006158.5 (MANE Select); coding-DNA position 712, A replaced by T.
Protein change: p.Ile238Phe; replaces isoleucine 238 with phenylalanine.
Molecular consequence: missense variant.
Genome position (GRCh38, 1-based): chr8:24,955,804, T>A on the plus strand (A>T on the coding strand, the complement: NEFL is on the minus strand). VCF-style: chr8-24955804-T-A. GRCh37 (hg19) VCF-style: chr8-24813318-T-A.
Other names: short protein forms I238F.
Identifiers: ClinVar variation 953923 (VCV000953923.4), dbSNP rs534615840, ClinGen allele CA4681449.

ClinVar aggregate classification (germline): Uncertain significance (1 of 4 stars; one submission).

Conditions:
Charcot-Marie-Tooth disease type 2E (CMT2E). Also called: CHARCOT-MARIE-TOOTH NEUROPATHY, TYPE 2E; CHARCOT-MARIE-TOOTH DISEASE, AXONAL, TYPE 2E. Identifiers: Orphanet 99939, MedGen C1843225, MONDO:0011894, OMIM 607684.

Allele frequency attached by ClinVar (database versions not stated): gnomAD exomes below 0.00001; ExAC 0.00001; gnomAD 0.00001; 1000 Genomes Project 30x 0.00016; 1000 Genomes Project 0.00020.
gnomAD v4.1: 2 of 1,612,582 alleles (0.00012%); highest among the groups gnomAD compares: Non-Finnish European, 0.00017%; no homozygotes.

Submission:

Labcorp Genetics (formerly Invitae), Labcorp
Classification: Uncertain significance for Charcot-Marie-Tooth disease type 2E. Last evaluated: 2024-07-24. Review status: criteria provided, single submitter. Criteria: Invitae Variant Classification Sherloc (09022015). Collection method: clinical testing. Allele origin: germline.
Comment: This sequence change replaces isoleucine, which is neutral and non-polar, with phenylalanine, which is neutral and non-polar, at codon 238 of the NEFL protein (p.Ile238Phe). This variant is present in population databases (rs534615840, gnomAD 0.0009%). This variant has not been reported in the literature in individuals affected with NEFL-related conditions. ClinVar contains an entry for this variant (Variation ID: 953923). Advanced modeling of protein sequence and biophysical properties (such as structural, functional, and spatial information, amino acid conservation, physicochemical variation, residue mobility, and thermodynamic stability) performed at Invitae indicates that this missense variant is not expected to disrupt NEFL protein function with a negative predictive value of 80%. In summary, the available evidence is currently insufficient to determine the role of this variant in disease. Therefore, it has been classified as a Variant of Uncertain Significance.